The following is an entry in ClinVar:

NM_004369.4(COL6A3):c.4312G>T (p.Val1438Phe)

Gene: COL6A3 (collagen type VI alpha 3 chain; minus strand). Cytogenetic location: 2q37.3.
Variant type: single nucleotide variant.
Coding change: c.4312G>T on transcript NM_004369.4 (MANE Select); coding-DNA position 4312, G replaced by T.
Protein change: p.Val1438Phe; replaces valine 1438 with phenylalanine.
Molecular consequence: missense variant.
Genome position (GRCh38, 1-based): chr2:237,369,151, C>A on the plus strand (G>T on the coding strand, the complement: COL6A3 is on the minus strand). VCF-style: chr2-237369151-C-A. GRCh37 (hg19) VCF-style: chr2-238277794-C-A.
Other names: c.2491G>T, p.Val831Phe (NM_057166.5); c.3694G>T, p.Val1232Phe (NM_057167.4); short protein forms V1232F, V831F, V1438F.
Identifiers: ClinVar variation 2039198 (VCV002039198.4), dbSNP rs1353249977, ClinGen allele CA351193782.
Genomic context (GRCh38, chr2:237,369,151, plus strand): 5'-AATCTCGAATATGTGCAAAGCCATCTGGCCTAACTCCCTCAGAGCTGTCGATCAGAAAGA[C>A]AATGTCTGCAGCATCACTCTCAACTGCTGCAGATCAAAGAAGAAAAAGGGAAACATTCAG-3'
Protein context (NP_004360.2, residues 1428-1448): PAVESDAADI[Val1438Phe]FLIDSSEGVR

ClinVar aggregate classification (germline): Uncertain significance (1 of 4 stars; one submission).

Conditions:
Bethlem myopathy 1A. Also called: MYOPATHY, BENIGN CONGENITAL, WITH CONTRACTURES; Bethlem Muscular Dystrophy; Bethlem myopathy 1. Identifiers: Orphanet 610, MedGen CN029274, MONDO:0024530, OMIM 158810.

Submission:

Labcorp Genetics (formerly Invitae), Labcorp
Classification: Uncertain significance for Bethlem myopathy 1A. Last evaluated: 2021-12-10. Review status: criteria provided, single submitter. Criteria: Invitae Variant Classification Sherloc (09022015). Collection method: clinical testing. Allele origin: germline.
Comment: This sequence change replaces valine, which is neutral and non-polar, with phenylalanine, which is neutral and non-polar, at codon 1438 of the COL6A3 protein (p.Val1438Phe). This variant is not present in population databases (gnomAD no frequency). This variant has not been reported in the literature in individuals affected with COL6A3-related conditions. Advanced modeling of protein sequence and biophysical properties (such as structural, functional, and spatial information, amino acid conservation, physicochemical variation, residue mobility, and thermodynamic stability) performed at Invitae indicates that this missense variant is not expected to disrupt COL6A3 protein function. In summary, the available evidence is currently insufficient to determine the role of this variant in disease. Therefore, it has been classified as a Variant of Uncertain Significance.